The following is an entry in ClinVar:

ClinVar aggregate classification (germline): Uncertain significance. Review status: criteria provided, multiple submitters, no conflicts (2 of 4 stars). 2 submissions from 2 submitters: Uncertain significance (2). Last evaluated 2024-12-03.

Conditions:
Inborn genetic diseases. Identifiers: MedGen C0950123, MeSH D030342.

Allele frequency attached by ClinVar (database versions not stated): TOPMed 0.00002; gnomAD 0.00003; gnomAD exomes 0.00003; ExAC 0.00007.
gnomAD v4.1: 50 of 1,614,094 alleles (0.0031%); highest among the groups gnomAD compares: Non-Finnish European, 0.0042%; no homozygotes.

Submissions (2):

Ambry Genetics
Classification: Uncertain significance for Inborn genetic diseases. Last evaluated: 2024-12-03. Review status: criteria provided, single submitter. Criteria: Ambry Variant Classification Scheme 2023. Collection method: clinical testing. Allele origin: germline.

Labcorp Genetics (formerly Invitae), Labcorp
Classification: Uncertain significance. Last evaluated: 2023-06-23. Review status: criteria provided, single submitter. Criteria: Invitae Variant Classification Sherloc (09022015). Collection method: clinical testing. Allele origin: germline.
Comment: In summary, the available evidence is currently insufficient to determine the role of this variant in disease. Therefore, it has been classified as a Variant of Uncertain Significance. An algorithm developed to predict the effect of missense changes on protein structure and function (PolyPhen-2) suggests that this variant is likely to be tolerated. This variant has not been reported in the literature in individuals affected with NLRP1-related conditions. This variant is present in population databases (rs200219121, gnomAD 0.008%). This sequence change replaces serine, which is neutral and polar, with asparagine, which is neutral and polar, at codon 291 of the NLRP1 protein (p.Ser291Asn).

NM_033004.4(NLRP1):c.872G>A (p.Ser291Asn)

Gene: NLRP1 (NLR family pyrin domain containing 1; minus strand). Cytogenetic location: 17p13.2.
Variant type: single nucleotide variant.
Coding change: c.872G>A on transcript NM_033004.4 (MANE Select); coding-DNA position 872, G replaced by A.
Protein change: p.Ser291Asn; replaces serine 291 with asparagine.
Molecular consequence: missense variant.
Genome position (GRCh38, 1-based): chr17:5,559,824, C>T on the plus strand (G>A on the coding strand, the complement: NLRP1 is on the minus strand). VCF-style: chr17-5559824-C-T. GRCh37 (hg19) VCF-style: chr17-5463144-C-T.
Other names: c.872G>A (NM_033004.3); c.872G>A, p.Ser291Asn (NM_001033053.3, NM_014922.5, NM_033006.4 and 1 more transcripts); short protein forms S291N.
Identifiers: ClinVar variation 2965509 (VCV002965509.4), dbSNP rs200219121, ClinGen allele CA8327471.